The following is an entry in ClinVar:

ClinVar aggregate classification (germline): Pathogenic/Likely pathogenic. Review status: criteria provided, multiple submitters, no conflicts (2 of 4 stars). 2 submissions from 2 submitters: Pathogenic (1); Likely pathogenic (1). Last evaluated 2026-09-25.

Conditions:
ADCY3-related disorder. Also called: ADCY3-related condition.

Submissions (2):

PreventionGenetics, part of Exact Sciences
Classification: Likely pathogenic for ADCY3-related condition. Last evaluated: 2026-09-25. Review status: criteria provided, single submitter. Criteria: ACMG Guidelines, 2015. Collection method: clinical testing. Allele origin: germline.
Comment: The ADCY3 c.3026_3027dupAG variant is predicted to result in a frameshift and premature protein termination (p.Arg1010Serfs*16). To our knowledge, this variant has not been reported in the literature or in a large population database (gnomAD), indicating this variant is rare. Loss-of-function variants in ADCY3 have been reported in patients with autosomal recessive severe obesity (Saeed et al. 2018. PubMed ID: 29311637). This variant is interpreted as likely pathogenic.

CeGaT Center for Human Genetics Tuebingen
Classification: Pathogenic. Last evaluated: 2024-10-01. Review status: criteria provided, single submitter. Criteria: CeGaT Center For Human Genetics Tuebingen Variant Classification Criteria Version 2. Collection method: clinical testing. Allele origin: germline. Affected: yes. Observed: 1 variant allele.
Comment: ADCY3: PVS1, PM2

NM_004036.5(ADCY3):c.3023_3024dup (p.Arg1009fs)

Genes: ADCY3 (adenylate cyclase 3; minus strand), CENPO (centromere protein O; plus strand). Cytogenetic location: 2p23.3.
Variant type: Microsatellite.
Coding change: c.3023_3024dup on transcript NM_004036.5 (MANE Select); coding-DNA positions 3023 to 3024, 2 bases duplicated (AG; older notation c.3023_3024dupAG).
Protein change: p.Arg1009fs; shifts the reading frame from arginine 1009.
Molecular consequence: frameshift variant. On other transcripts: 3 prime UTR variant (3), non-coding transcript variant (3).
Genome position (GRCh38, 1-based): chr2:24,821,620-24,821,621, CT duplicated on the plus strand (AG on the coding strand, the reverse complement: ADCY3 is on the minus strand); duplicating any 2 consecutive bases within chr2:24,821,620-24,821,628 gives the same sequence; the c. name uses the placement nearest the transcript's 3' end. VCF-style (leftmost placement, unchanged base first): chr2-24821619-G-GCT. GRCh37 (hg19) VCF-style: chr2-25044488-G-GCT.
Other names: c.*2303TC[5] (NM_024322.4, NM_001199803.3, NM_001322101.2); c.2885_2886dup, p.Arg963fs (NM_001377129.1); c.2471_2472dup, p.Arg825fs (NM_001377130.1); c.2300_2301dup, p.Arg768fs (NM_001377131.1); c.3023_3024dup, p.Arg1009fs (NM_001377132.1); c.3026_3027dup, p.Arg1010fs (NM_001320613.2); c.3089_3090dup, p.Arg1031fs (NM_001377128.1); short protein forms R1009fs, R1010fs, R1031fs, R768fs, R825fs, R963fs.
Identifiers: ClinVar variation 3356988 (VCV003356988.16).